The following is an entry in ClinVar:

ClinVar aggregate classification (germline): Uncertain significance (1 of 4 stars; one submission).

Submission:

Labcorp Genetics (formerly Invitae), Labcorp
Classification: Uncertain significance. Last evaluated: 2022-10-24. Review status: criteria provided, single submitter. Criteria: Invitae Variant Classification Sherloc (09022015). Collection method: clinical testing. Allele origin: germline.
Comment: In summary, the available evidence is currently insufficient to determine the role of this variant in disease. Therefore, it has been classified as a Variant of Uncertain Significance. Algorithms developed to predict the effect of missense changes on protein structure and function are either unavailable or do not agree on the potential impact of this missense change (SIFT: "Deleterious"; PolyPhen-2: "Not Available"; Align-GVGD: "Class C35"). This variant has not been reported in the literature in individuals affected with DDX3X-related conditions. This variant is not present in population databases (gnomAD no frequency). This sequence change replaces aspartic acid, which is acidic and polar, with glutamic acid, which is acidic and polar, at codon 506 of the DDX3X protein (p.Asp506Glu).

NM_001356.5(DDX3X):c.1518C>G (p.Asp506Glu)

Gene: DDX3X (DEAD-box helicase 3 X-linked; plus strand). Cytogenetic location: Xp11.4.
Variant type: single nucleotide variant.
Coding change: c.1518C>G on transcript NM_001356.5 (MANE Select); coding-DNA position 1518, C replaced by G.
Protein change: p.Asp506Glu; replaces aspartic acid 506 with glutamic acid.
Molecular consequence: missense variant. On other transcripts: non-coding transcript variant (1).
Genome position (GRCh38, 1-based): chrX:41,346,525, C>G. VCF-style: chrX-41346525-C-G. GRCh37 (hg19) VCF-style: chrX-41205778-C-G.
Other names: c.1518C>G, p.Asp506Glu (NM_001193416.3); c.1470C>G, p.Asp490Glu (NM_001193417.3); c.960C>G, p.Asp320Glu (NM_001363819.1); short protein forms D320E, D490E, D506E.
Identifiers: ClinVar variation 1716708 (VCV001716708.5), dbSNP rs2519524054, ClinGen allele CA412776195.